The following is an entry in ClinVar:

NM_007294.4(BRCA1):c.4260G>T (p.Gln1420His)

Gene: BRCA1 (BRCA1 DNA repair associated; minus strand). Cytogenetic location: 17q21.31.
Variant type: single nucleotide variant.
Coding change: c.4260G>T on transcript NM_007294.4 (MANE Select); coding-DNA position 4260, G replaced by T.
Protein change: p.Gln1420His; replaces glutamine 1420 with histidine.
Molecular consequence: missense variant. On other transcripts: non-coding transcript variant (1).
Genome position (GRCh38, 1-based): chr17:43,082,501, C>A on the plus strand (G>T on the coding strand, the complement: BRCA1 is on the minus strand). VCF-style: chr17-43082501-C-A. GRCh37 (hg19) VCF-style: chr17-41234518-C-A.
Other names: c.4134G>T, p.Gln1378His (NM_001407683.1, NM_001407688.1, NM_001407689.1 and 12 more transcripts); c.4260G>T, p.Gln1420His (NM_001407684.1, NM_001407854.1, NM_001407858.1 and 23 more transcripts); c.4131G>T, p.Gln1377His (NM_001407685.1, NM_001407686.1, NM_001407687.1 and 2 more transcripts); c.4119G>T, p.Gln1373His (NM_001407692.1, NM_001407694.1, NM_001407695.1 and 23 more transcripts); c.4116G>T, p.Gln1372His (NM_001407740.1, NM_001407741.1, NM_001407742.1 and 23 more transcripts); c.4113G>T, p.Gln1371His (NM_001407847.1, NM_001407848.1, NM_001407849.1); c.4047G>T, p.Gln1349His (NM_001407853.1, NM_001407894.1, NM_001407895.1 and 12 more transcripts); c.4257G>T, p.Gln1419His (NM_001407860.1, NM_001407861.1, NM_001407587.1 and 21 more transcripts); and 51 more; short protein forms Q1420H, Q1373H, Q317H, Q1292H, Q1293H, Q1331H, Q1392H, Q1394H.
Identifiers: ClinVar variation 631225 (VCV000631225.5), dbSNP rs1567783343, ClinGen allele CA10593201.

ClinVar aggregate classification (germline): Uncertain significance (1 of 4 stars; one submission).

Conditions:
Hereditary cancer-predisposing syndrome. Also called: Tumor predisposition; Neoplastic Syndromes, Hereditary; Hereditary neoplastic syndrome; Hereditary Cancer Syndrome. Identifiers: Orphanet 140162, MedGen C0027672, MeSH D009386, MONDO:0015356.

Submission:

Color Diagnostics, LLC DBA Color Health
Classification: Uncertain significance for Hereditary cancer-predisposing syndrome. Last evaluated: 2025-03-26. Review status: criteria provided, single submitter. Criteria: ACMG Guidelines, 2015. Collection method: clinical testing. Allele origin: germline.
Comment: This missense variant replaces glutamine with histidine at codon 1420 of the BRCA1 protein. Computational prediction suggests that this variant may not impact protein structure and function. To our knowledge, functional studies have not been reported for this variant. This variant has not been reported in individuals affected with BRCA1-related disorders in the literature. This variant has not been identified in the general population by the Genome Aggregation Database (gnomAD). The available evidence is insufficient to determine the role of this variant in disease conclusively. Therefore, this variant is classified as a Variant of Uncertain Significance.